The following is an entry in ClinVar:

NM_194454.3(KRIT1):c.121C>G (p.Pro41Ala)

Gene: KRIT1 (KRIT1 ankyrin repeat containing; minus strand). Cytogenetic location: 7q21.2.
Variant type: single nucleotide variant.
Coding change: c.121C>G on transcript NM_194454.3 (MANE Select); coding-DNA position 121, C replaced by G.
Protein change: p.Pro41Ala; replaces proline 41 with alanine.
Molecular consequence: missense variant. On other transcripts: 5 prime UTR variant (1).
Genome position (GRCh38, 1-based): chr7:92,241,134, G>C on the plus strand (C>G on the coding strand, the complement: KRIT1 is on the minus strand). VCF-style: chr7-92241134-G-C. GRCh37 (hg19) VCF-style: chr7-91870448-G-C.
Other names: c.121C>G, p.Pro41Ala (NM_001013406.2, NM_001350669.1, NM_001350670.1 and 29 more transcripts); c.-463C>G (NM_001350671.1); short protein forms P41A.
Identifiers: ClinVar variation 4044756 (VCV004044756.2).

ClinVar aggregate classification (germline): Uncertain significance. Review status: criteria provided, multiple submitters, no conflicts (2 of 4 stars). 2 submissions from 2 submitters: Uncertain significance (2). Last evaluated 2026-06-16.

Conditions:
KRIT1-related disorder. Also called: KRIT1-related disorders; KRIT1-related condition.
Inborn genetic diseases. Identifiers: MedGen C0950123, MeSH D030342.

gnomAD v4.1: 10 of 1,609,430 alleles (0.00062%); highest among the groups gnomAD compares: Non-Finnish European, 0.00077%; no homozygotes.

Submissions (2):

PreventionGenetics, part of Exact Sciences
Classification: Uncertain significance for KRIT1-related condition. Last evaluated: 2026-06-16. Review status: criteria provided, single submitter. Criteria: ACMG Guidelines, 2015. Collection method: clinical testing. Allele origin: germline.
Comment: The KRIT1 c.121C>G variant is predicted to result in the amino acid substitution p.Pro41Ala. To our knowledge, this variant has not been reported in the literature or in a large population database (gnomAD), indicating this variant is rare. At this time, the clinical significance of this variant is uncertain due to the absence of conclusive functional and genetic evidence.

Ambry Genetics
Classification: Uncertain significance for Inborn genetic diseases. Last evaluated: 2025-03-26. Review status: criteria provided, single submitter. Criteria: Ambry Variant Classification Scheme 2023. Collection method: clinical testing. Allele origin: germline.